The following is an entry in ClinVar:

ClinVar aggregate classification (germline): Uncertain significance (1 of 4 stars; one submission).

Submission:

Labcorp Genetics (formerly Invitae), Labcorp
Classification: Uncertain significance. Last evaluated: 2025-01-07. Review status: criteria provided, single submitter. Criteria: Invitae Variant Classification Sherloc (09022015). Collection method: clinical testing. Allele origin: germline.
Comment: This sequence change replaces proline, which is neutral and non-polar, with threonine, which is neutral and polar, at codon 1141 of the KMT2A protein (p.Pro1141Thr). This variant is present in population databases (rs782704160, gnomAD 0.0009%). This variant has not been reported in the literature in individuals affected with KMT2A-related conditions. Invitae Evidence Modeling of protein sequence and biophysical properties (such as structural, functional, and spatial information, amino acid conservation, physicochemical variation, residue mobility, and thermodynamic stability) indicates that this missense variant is not expected to disrupt KMT2A protein function with a negative predictive value of 95%. In summary, the available evidence is currently insufficient to determine the role of this variant in disease. Therefore, it has been classified as a Variant of Uncertain Significance.

NM_001197104.2(KMT2A):c.3421C>A (p.Pro1141Thr)

Gene: KMT2A (lysine methyltransferase 2A; plus strand). Cytogenetic location: 11q23.3.
Variant type: single nucleotide variant.
Coding change: c.3421C>A on transcript NM_001197104.2 (MANE Select); coding-DNA position 3421, C replaced by A.
Protein change: p.Pro1141Thr; replaces proline 1141 with threonine.
Molecular consequence: missense variant.
Genome position (GRCh38, 1-based): chr11:118,478,053, C>A. VCF-style: chr11-118478053-C-A. GRCh37 (hg19) VCF-style: chr11-118348768-C-A.
Other names: c.3520C>A, p.Pro1174Thr (NM_001412597.1); c.3421C>A, p.Pro1141Thr (NM_005933.4); short protein forms P1141T, P1174T.
Identifiers: ClinVar variation 3625743 (VCV003625743.2).